The following is an entry in ClinVar:

ClinVar aggregate classification (germline): Benign/Likely benign. Review status: criteria provided, multiple submitters, no conflicts (2 of 4 stars). 3 submissions from 3 submitters: Benign (1); Likely benign (2). Last evaluated 2024-07-31.

Conditions:
Juvenile polyposis syndrome (JPS). Identifiers: Orphanet 2929, MedGen C0345893, MONDO:0017380, OMIM 174900.
Hereditary cancer-predisposing syndrome. Also called: Tumor predisposition; Hereditary Cancer Syndrome; Neoplastic Syndromes, Hereditary; Hereditary neoplastic syndrome. Identifiers: Orphanet 140162, MedGen C0027672, MeSH D009386, MONDO:0015356.

Submissions (3):

Myriad Genetics, Inc.
Classification: Benign for Juvenile polyposis syndrome. Last evaluated: 2024-07-31. Review status: criteria provided, single submitter. Criteria: Myriad Autosomal Dominant, Autosomal Recessive and X-Linked Classification Criteria (2023). Collection method: clinical testing. Allele origin: unknown.
Comment: This variant is considered benign. This variant is a silent/synonymous amino acid change and it is not expected to impact splicing.

Ambry Genetics
Classification: Likely benign for Hereditary cancer-predisposing syndrome. Last evaluated: 2024-02-13. Review status: criteria provided, single submitter. Criteria: Ambry Variant Classification Scheme 2023. Collection method: clinical testing. Allele origin: germline.

Labcorp Genetics (formerly Invitae), Labcorp
Classification: Likely benign for Juvenile polyposis syndrome. Last evaluated: 2023-06-23. Review status: criteria provided, single submitter. Criteria: Invitae Variant Classification Sherloc (09022015). Collection method: clinical testing. Allele origin: germline.

NM_004329.3(BMPR1A):c.240A>G (p.Gly80=)

Gene: BMPR1A (bone morphogenetic protein receptor type 1A; plus strand). Cytogenetic location: 10q23.2.
Variant type: single nucleotide variant.
Coding change: c.240A>G on transcript NM_004329.3 (MANE Select); coding-DNA position 240, A replaced by G.
Protein change: p.Gly80=; no amino-acid change (glycine 80 retained).
Molecular consequence: synonymous variant. On other transcripts: non-coding transcript variant (3).
Genome position (GRCh38, 1-based): chr10:86,892,136, A>G. VCF-style: chr10-86892136-A-G. GRCh37 (hg19) VCF-style: chr10-88651893-A-G.
Other names: c.240A>G, p.Gly80= (NM_001406559.1, NM_001406560.1, NM_001406561.1 and 23 more transcripts); c.156A>G, p.Gly52= (NM_001406584.1, NM_001406585.1, NM_001406586.1 and 2 more transcripts).
Identifiers: ClinVar variation 2962986 (VCV002962986.5), dbSNP rs1282223116, ClinGen allele CA470304982.